The following is an entry in ClinVar:

NM_020297.4(ABCC9):c.2554C>T (p.Gln852Ter)

Gene: ABCC9 (ATP binding cassette subfamily C member 9; minus strand). Cytogenetic location: 12p12.1.
Variant type: single nucleotide variant.
Coding change: c.2554C>T on transcript NM_020297.4 (MANE Select); coding-DNA position 2554, C replaced by T.
Protein change: p.Gln852Ter; replaces glutamine 852 with a stop codon.
Molecular consequence: nonsense.
Genome position (GRCh38, 1-based): chr12:21,852,457, G>A on the plus strand (C>T on the coding strand, the complement: ABCC9 is on the minus strand). VCF-style: chr12-21852457-G-A. GRCh37 (hg19) VCF-style: chr12-22005391-G-A.
Other names: c.2554C>T, p.Gln852Ter (NM_001377273.1, NM_005691.4); c.1687C>T, p.Gln563Ter (NM_001377274.1); short protein forms Q852*, Q563*.
Identifiers: ClinVar variation 35629 (VCV000035629.9), dbSNP rs193922683, ClinGen allele CA325662.

ClinVar aggregate classification (germline): Pathogenic/Likely pathogenic. Review status: criteria provided, multiple submitters, no conflicts (2 of 4 stars). 2 submissions from 2 submitters: Pathogenic (1); Likely pathogenic (1). Last evaluated 2025-10-28.

Conditions:
Cardiomyopathy (CMYO). Also called: Cardiomyopathies. Identifiers: Orphanet 167848, MedGen C0878544, MONDO:0004994, HP:0001638. Inheritance: Various modes of inheritance.
Dilated cardiomyopathy 1O (CMD1O). Also called: CARDIOMYOPATHY, DILATED, WITH VENTRICULAR TACHYCARDIA. Identifiers: Orphanet 154, MedGen C1837839, MONDO:0012062, OMIM 608569.

Allele frequency attached by ClinVar (database versions not stated): gnomAD exomes below 0.00001 and 0.00002; TOPMed below 0.00001; ExAC 0.00002.
gnomAD v4.1: 2 of 1,613,290 alleles (0.00012%); highest among the groups gnomAD compares: Non-Finnish European, 0.00017%; no homozygotes.

Submissions (2):

Labcorp Genetics (formerly Invitae), Labcorp
Classification: Pathogenic for Dilated cardiomyopathy 1O. Last evaluated: 2025-10-28. Review status: criteria provided, single submitter. Criteria: Invitae Variant Classification Sherloc (09022015). Collection method: clinical testing. Allele origin: germline.
Comment: This sequence change creates a premature translational stop signal (p.Gln852*) in the ABCC9 gene. It is expected to result in an absent or disrupted protein product. Loss-of-function variants in ABCC9 are known to be pathogenic (PMID: 31575858, 38217872). This variant is present in population databases (rs193922683, gnomAD 0.004%). This variant has not been reported in the literature in individuals affected with ABCC9-related conditions. ClinVar contains an entry for this variant (Variation ID: 35629). Algorithms developed to predict the effect of sequence changes on RNA splicing suggest that this variant may disrupt the consensus splice site. For these reasons, this variant has been classified as Pathogenic.

Women's Health and Genetics/Laboratory Corporation of America, LabCorp
Classification: Likely pathogenic for Cardiomyopathy. Last evaluated: 2011-08-18. Review status: criteria provided, single submitter. Criteria: LabCorp Variant Classification Summary - May 2015. Collection method: curation. Allele origin: germline. Inheritance: autosomal unknown. Affected: yes.
ClinVar note: Converted during submission from likely pathogenic to Likely pathogenic.

Literature cited by the submitters: PubMed 31575858 (cited by Labcorp Genetics (formerly Invitae), Labcorp); PubMed 38217872 (cited by Labcorp Genetics (formerly Invitae), Labcorp).